The following is an entry in ClinVar:

ClinVar aggregate classification (germline): Uncertain significance (1 of 4 stars; one submission).

Allele frequency attached by ClinVar (database versions not stated): gnomAD exomes 0.00002; gnomAD 0.00003; TOPMed 0.00005.
gnomAD v4.1: 31 of 1,585,366 alleles (0.002%); highest among the groups gnomAD compares: South Asian, 0.017%; 1 homozygote.

Submission:

GeneDx
Classification: Uncertain significance. Last evaluated: 2022-12-29. Review status: criteria provided, single submitter. Criteria: GeneDx Variant Classification Process June 2021. Collection method: clinical testing. Allele origin: germline. Affected: yes.
Comment: Has not been previously published as pathogenic or benign to our knowledge; In silico analysis supports that this missense variant does not alter protein structure/function

NM_004176.5(SREBF1):c.2549C>T (p.Ala850Val)

Gene: SREBF1 (sterol regulatory element binding transcription factor 1; minus strand). Cytogenetic location: 17p11.2.
Variant type: single nucleotide variant.
Coding change: c.2549C>T on transcript NM_004176.5 (MANE Select); coding-DNA position 2549, C replaced by T.
Protein change: p.Ala850Val; replaces alanine 850 with valine.
Molecular consequence: missense variant. On other transcripts: non-coding transcript variant (4).
Genome position (GRCh38, 1-based): chr17:17,814,888, G>A on the plus strand (C>T on the coding strand, the complement: SREBF1 is on the minus strand). VCF-style: chr17-17814888-G-A. GRCh37 (hg19) VCF-style: chr17-17718202-G-A.
Other names: c.2639C>T, p.Ala880Val (NM_001005291.3); c.2477C>T, p.Ala826Val (NM_001321096.3); c.2549C>T, p.Ala850Val (NM_001388385.1, NM_001388386.1); c.2588C>T, p.Ala863Val (NM_001388387.1); c.2504C>T, p.Ala835Val (NM_001388388.1); c.2543C>T, p.Ala848Val (NM_001388389.1); c.2531C>T, p.Ala844Val (NM_001388390.1); c.2522C>T, p.Ala841Val (NM_001388391.1); and 3 more; short protein forms A706V, A723V, A776V, A826V, A835V, A841V, A844V, A848V.
Identifiers: ClinVar variation 2571735 (VCV002571735.1), dbSNP rs768989117, ClinGen allele CA8419618.